The following is an entry in ClinVar:

NM_000199.5(SGSH):c.449G>A (p.Arg150Gln)

Gene: SGSH (N-sulfoglucosamine sulfohydrolase; minus strand). Cytogenetic location: 17q25.3.
Variant type: single nucleotide variant.
Coding change: c.449G>A on transcript NM_000199.5 (MANE Select); coding-DNA position 449, G replaced by A.
Protein change: p.Arg150Gln; replaces arginine 150 with glutamine.
Molecular consequence: missense variant. On other transcripts: non-coding transcript variant (1).
Genome position (GRCh38, 1-based): chr17:80,214,672, C>T on the plus strand (G>A on the coding strand, the complement: SGSH is on the minus strand). VCF-style: chr17-80214672-C-T. GRCh37 (hg19) VCF-style: chr17-78188471-C-T.
Other names: c.449G>A, p.Arg150Gln (NM_001352921.3, NM_001352922.2); c.449G>A (NM_000199.4); short protein forms R150Q.
Identifiers: ClinVar variation 5113 (VCV000005113.27), dbSNP rs104894638, ClinGen allele CA117262.

ClinVar aggregate classification (germline): Pathogenic. Review status: criteria provided, multiple submitters, no conflicts (2 of 4 stars). 10 submissions from 10 submitters: Pathogenic (7). 3 of the submissions do not count toward it. Last evaluated 2025-10-06.

Conditions:
SGSH-related disorder. Also called: SGSH-related condition.
Mucopolysaccharidosis, MPS-III-A (MPS3A). Also called: Mucopolysaccharidosis, type IIIA; MPS III A; Mucopolysaccharidosis type IIIA (Sanfilippo A); SANFILIPPO SYNDROME A; SULFAMIDASE DEFICIENCY; mucopolysaccharidosis type 3A. Identifiers: Orphanet 581, Orphanet 79269, MedGen C0086647, MONDO:0009655, OMIM 252900.

Allele frequency attached by ClinVar (database versions not stated): TOPMed 0.00002; gnomAD 0.00001; gnomAD exomes 0.00002 and 0.00004; ExAC 0.00002.
gnomAD v4.1: 52 of 1,613,318 alleles (0.0032%); highest among the groups gnomAD compares: Non-Finnish European, 0.0042%; no homozygotes.

Submissions (10):

3billion
Classification: Pathogenic for Mucopolysaccharidosis, MPS-III-A. Last evaluated: 2025-10-06. Review status: criteria provided, single submitter. Criteria: ACMG Guidelines, 2015. Collection method: clinical testing. Allele origin: germline. Affected: yes.
Comment: The variant is observed at an extremely low frequency in the gnomAD v4.1.0 dataset (total allele frequency: 0.003%). Predicted Consequence/Location: Missense variant Functional studies provide strong evidence of the variant having a damaging effect on the gene or gene product (PMID: 10727844). In silico tool prediction suggests damaging effect of the variant on gene or gene product [REVEL: 0.82 (>=0.6, sensitivity 0.68 and specificity 0.92)]. The same nucleotide change resulting in the same amino acid change has been previously reported as pathogenic/likely pathogenic with strong evidence (ClinVar ID: VCV000005113 /PMID: 9401012 /3billion dataset). Different missense changes at the same codon (p.Arg150Gly, p.Arg150Pro, p.Arg150Trp) have been reported as pathogenic/likely pathogenic with strong evidence (ClinVar ID: VCV000638088, VCV003583111 /PMID: 11182930, 21204211). Therefore, this variant is classified as Pathogenic according to the recommendation of ACMG/AMP guideline.

Natera, Inc.
Classification: Pathogenic for Mucopolysaccharidosis type IIIA. Last evaluated: 2025-09-30. Review status: criteria provided, single submitter. Criteria: Natera Variant Classification Schema (03/2026). Collection method: clinical testing. Allele origin: germline.
Comment: The c.449G>A variant in SGSH is a missense variant predicted to cause substitution of arginine to glutamine at amino acid 150. This variant is rare in the general population with a frequency below the threshold expected for the associated phenotype(s). This variant has been observed in one or more individuals affected with the associated recessive disease, as either homozygous or compound heterozygous with a second variant (PMID: 21061399, 21204211, 11343308, 9401012, 9554748, 35629088). Additionally, this variant has been observed to segregate in affected family members (PMID: 21061399). Functional studies show that this variant may disrupt protein function (PMID: 10727844). Computational prediction algorithms indicate this variant is likely to affect gene or protein function. Given the available evidence, this variant is classified as Pathogenic.

Labcorp Genetics (formerly Invitae), Labcorp
Classification: Pathogenic for Mucopolysaccharidosis, MPS-III-A. Last evaluated: 2024-09-23. Review status: criteria provided, single submitter. Criteria: Invitae Variant Classification Sherloc (09022015). Collection method: clinical testing. Allele origin: germline.
Comment: This sequence change replaces arginine, which is basic and polar, with glutamine, which is neutral and polar, at codon 150 of the SGSH protein (p.Arg150Gln). This variant is present in population databases (rs104894638, gnomAD 0.005%). This missense change has been observed in individuals with mucopolysaccharidosis type III (PMID: 9401012, 9554748, 9744479, 11343308, 21061399, 21204211). ClinVar contains an entry for this variant (Variation ID: 5113). Invitae Evidence Modeling of protein sequence and biophysical properties (such as structural, functional, and spatial information, amino acid conservation, physicochemical variation, residue mobility, and thermodynamic stability) indicates that this missense variant is expected to disrupt SGSH protein function with a positive predictive value of 80%. Experimental studies have shown that this missense change affects SGSH function (PMID: 10727844). This variant disrupts the p.Arg150 amino acid residue in SGSH. Other variant(s) that disrupt this residue have been observed in individuals with SGSH-related conditions (PMID: 11182930, 21204211), which suggests that this may be a clinically significant amino acid residue. For these reasons, this variant has been classified as Pathogenic.

Blueprint Genetics
Classification: Pathogenic for SGSH-related disorders. Last evaluated: 2024-03-26. Review status: criteria provided, single submitter. Criteria: ACMG Guidelines, 2015. Collection method: clinical testing. Allele origin: germline. Affected: yes. Observed: 5 variant alleles.

Genome-Nilou Lab
Classification: Pathogenic for Mucopolysaccharidosis, MPS-III-A. Last evaluated: 2021-11-07. Review status: criteria provided, single submitter. Criteria: ACMG Guidelines, 2015. Collection method: clinical testing. Allele origin: germline. Affected: no.

Fulgent Genetics
Classification: Pathogenic for Mucopolysaccharidosis, MPS-III-A. Last evaluated: 2021-07-06. Review status: criteria provided, single submitter. Criteria: ACMG Guidelines, 2015. Collection method: clinical testing. Allele origin: unknown.

Women's Health and Genetics/Laboratory Corporation of America, LabCorp
Classification: Pathogenic for Mucopolysaccharidosis, MPS-III-A. Last evaluated: 2018-10-04. Review status: criteria provided, single submitter. Criteria: LabCorp Variant Classification Summary - May 2015. Collection method: clinical testing. Allele origin: germline.
Comment: Variant summary: SGSH c.449G>A (p.Arg150Gln) results in a conservative amino acid change located in the Sulfatase, N-terminal domain of the encoded protein sequence. Three of four in-silico tools predict a damaging effect of the variant on protein function. The variant allele was found at a frequency of 1.8e-05 in 276994 control chromosomes (gnomAD and publication data). c.449G>A has been reported in the literature as a homozygous and compound heterozygous allele in multiple individuals affected with Mucopolysaccharidosis Type IIIA (Sanfilippo Syndrome A) (Bunge 1997, Di Natale 1998, Heron 2010, Valstar 2010). These data indicate that the variant is very likely to be associated with disease. At least one publication reports experimental evidence evaluating an impact on enzyme activity, showing that the variant results in <10% of normal activity (Esposito 2000). Two clinical diagnostic laboratories have submitted clinical-significance assessments for this variant to ClinVar after 2014 without evidence for independent evaluation and both classified the variant as likely pathogenic. Based on the evidence outlined above, the variant was classified as pathogenic.

PreventionGenetics, part of Exact Sciences
Classification: Pathogenic for SGSH-related condition. Last evaluated: 2024-09-24. Review status: no assertion criteria provided. Collection method: clinical testing. Allele origin: germline. Not counted in ClinVar's aggregate classification.
Comment: The SGSH c.449G>A variant is predicted to result in the amino acid substitution p.Arg150Gln. This variant has been reported in the homozygous and compound heterozygous states in multiple individuals with mucopolysaccharidosis type IIIA (see for example, Bunge et al. 1997. PubMed ID: 9401012; Yogalingam and Hopwood. 2001. PubMed ID: 11668611; Valstar et al. 2010. PubMed ID: 21061399). This variant is reported in 0.0050% of alleles in individuals of East Asian descent in gnomAD. An in vitro experimental study suggests this variant abolishes enzyme activity (Esposito et al. 2000. PubMed ID: 10727844). Alternate missense substitutions affecting the same amino acid (p.Arg150Trp and p.Arg150Gly) have been reported in multiple individuals with mucopolysaccharidosis type IIIA (Beesley et al. 2000. PubMed ID: 11182930; Table S2, Héron et al. 2011. PubMed ID: 21204211). Given the evidence, the c.449G>A (p.Arg150Gln) variant is interpreted as pathogenic.

Counsyl
Classification: Likely pathogenic for Mucopolysaccharidosis, MPS-III-A. Last evaluated: 2018-04-02. Review status: no assertion criteria provided. Collection method: clinical testing. Allele origin: unknown. Not counted in ClinVar's aggregate classification.

OMIM
Classification: Pathogenic for MUCOPOLYSACCHARIDOSIS, TYPE IIIA. Last evaluated: 1998-01-01. Review status: no assertion criteria provided. Collection method: literature only. Allele origin: germline. Not counted in ClinVar's aggregate classification.

Literature cited by the submitters: PubMed 11182930 (cited by 3billion and Labcorp Genetics (formerly Invitae), Labcorp); PubMed 10727844 (cited by 5 submitters); PubMed 9401012 (cited by 5 submitters); PubMed 21061399 (cited by 4 submitters); PubMed 21204211 (cited by 3 submitters); PubMed 11343308 (cited by 3 submitters); PubMed 9554748 (cited by 5 submitters); PubMed 35629088 (cited by Natera, Inc.); PubMed 9744479 (cited by Labcorp Genetics (formerly Invitae), Labcorp and OMIM); PubMed 11668611 (cited by Women's Health and Genetics/Laboratory Corporation of America, LabCorp).